The following is an entry in ClinVar:

NM_015040.4(PIKFYVE):c.64A>C (p.Thr22Pro)

Gene: PIKFYVE (phosphoinositide kinase, FYVE-type zinc finger containing; plus strand). Cytogenetic location: 2q34.
Variant type: single nucleotide variant.
Coding change: c.64A>C on transcript NM_015040.4 (MANE Select); coding-DNA position 64, A replaced by C.
Protein change: p.Thr22Pro; replaces threonine 22 with proline.
Molecular consequence: missense variant.
Genome position (GRCh38, 1-based): chr2:208,271,583, A>C. VCF-style: chr2-208271583-A-C. GRCh37 (hg19) VCF-style: chr2-209136307-A-C.
Other names: c.64A>C, p.Thr22Pro (NM_001178000.2, NM_152671.4); short protein forms T22P.
Identifiers: ClinVar variation 333884 (VCV000333884.6), dbSNP rs373802805, ClinGen allele CA2079162.
Genomic context (GRCh38, chr2:208,271,583, plus strand): 5'-GCCACAGATGATAAGACGTCCCCAACACTGGACTCTGCTAATGATTTGCCTCGATCTCCT[A>C]CTAGTCCTTCTCATCTCACACACTTTAAACCTTTGACTCCTGATCAAGATGAGCCCCCTT-3'
Protein context (NP_055855.2, residues 12-32): DSANDLPRSP[Thr22Pro]SPSHLTHFKP

ClinVar aggregate classification (germline): Conflicting classifications of pathogenicity. Review status: criteria provided, conflicting classifications (1 of 4 stars). 2 submissions from 2 submitters: Uncertain significance (1); Likely benign (1). Last evaluated 2023-12-27.

Conditions:
Inborn genetic diseases. Identifiers: MedGen C0950123, MeSH D030342.
Fleck corneal dystrophy (CFD). Also called: CORNEAL DYSTROPHY, FRANCOIS-NEETENS SPECKLED OR FLECKED. Identifiers: Orphanet 98970, MedGen C1562113, MONDO:0007376, OMIM 121850.

Allele frequency attached by ClinVar (database versions not stated): gnomAD 0.00001; ExAC 0.00002; TOPMed 0.00003; gnomAD exomes 0.00004; ESP Exome Variant Server 0.00015.
gnomAD v4.1: 61 of 1,613,932 alleles (0.0038%); highest among the groups gnomAD compares: South Asian, 0.0077%; no homozygotes.

Submissions (2):

Ambry Genetics
Classification: Uncertain significance for Inborn genetic diseases. Last evaluated: 2023-12-27. Review status: criteria provided, single submitter. Criteria: Ambry Variant Classification Scheme 2023. Collection method: clinical testing. Allele origin: germline.

Illumina Laboratory Services, Illumina
Classification: Likely benign for Fleck corneal dystrophy. Last evaluated: 2018-01-12. Review status: criteria provided, single submitter. Criteria: ICSL Variant Classification Criteria 13 December 2019. Collection method: clinical testing. Allele origin: germline.
Comment: This variant was observed in the ICSL laboratory as part of a predisposition screen in an ostensibly healthy population. It had not been previously curated by ICSL or reported in the Human Gene Mutation Database (HGMD: prior to June 1st, 2018), and was therefore a candidate for classification through an automated scoring system. Utilizing variant allele frequency, disease prevalence and penetrance estimates, and inheritance mode, an automated score was calculated to assess if this variant is too frequent to cause the disease. Based on the score and internal cut-off values, a variant classified as likely benign is not then subjected to further curation. The score for this variant resulted in a classification of likely benign for this disease.